The following is an entry in ClinVar:

NM_012073.5(CCT5):c.1250G>A (p.Arg417His)

Gene: CCT5 (chaperonin containing TCP1 subunit 5; plus strand). Cytogenetic location: 5p15.2.
Variant type: single nucleotide variant.
Coding change: c.1250G>A on transcript NM_012073.5 (MANE Select); coding-DNA position 1250, G replaced by A.
Protein change: p.Arg417His; replaces arginine 417 with histidine.
Molecular consequence: missense variant.
Genome position (GRCh38, 1-based): chr5:10,262,551, G>A. VCF-style: chr5-10262551-G-A. GRCh37 (hg19) VCF-style: chr5-10262663-G-A.
Other names: c.1187G>A, p.Arg396His (NM_001306153.1); c.1085G>A, p.Arg362His (NM_001306154.2); c.971G>A, p.Arg324His (NM_001306155.2); c.1136G>A, p.Arg379His (NM_001306156.2); c.1250G>A (NM_012073.3); short protein forms R324H, R362H, R379H, R396H, R417H.
Identifiers: ClinVar variation 1060642 (VCV001060642.10), dbSNP rs761273276, ClinGen allele CA3198305.

ClinVar aggregate classification (germline): Uncertain significance. Review status: criteria provided, multiple submitters, no conflicts (2 of 4 stars). 2 submissions from 2 submitters: Uncertain significance (2). Last evaluated 2026-01-07.

Conditions:
Hereditary sensory and autonomic neuropathy with spastic paraplegia (HSNSP). Identifiers: Orphanet 139578, MedGen C1850395, MONDO:0009748, OMIM 256840.

Allele frequency attached by ClinVar (database versions not stated): gnomAD exomes below 0.00001 and 0.00001; TOPMed below 0.00001; ExAC 0.00001; gnomAD 0.00002.
gnomAD v4.1: 13 of 1,614,122 alleles (0.00081%); highest among the groups gnomAD compares: South Asian, 0.0055%; no homozygotes.

Submissions (2):

Labcorp Genetics (formerly Invitae), Labcorp
Classification: Uncertain significance for Hereditary sensory and autonomic neuropathy with spastic paraplegia. Last evaluated: 2026-01-07. Review status: criteria provided, single submitter. Criteria: Invitae Variant Classification Sherloc (09022015). Collection method: clinical testing. Allele origin: germline.
Comment: This sequence change replaces arginine, which is basic and polar, with histidine, which is basic and polar, at codon 417 of the CCT5 protein (p.Arg417His). The frequency data for this variant in the population databases is considered unreliable, as metrics indicate poor data quality at this position in the gnomAD database. This variant has not been reported in the literature in individuals affected with CCT5-related conditions. ClinVar contains an entry for this variant (Variation ID: 1060642). Experimental studies and prediction algorithms are not available or were not evaluated, and the functional significance of this variant is currently unknown. In summary, the available evidence is currently insufficient to determine the role of this variant in disease. Therefore, it has been classified as a Variant of Uncertain Significance.

Ambry Genetics
Classification: Uncertain significance. Last evaluated: 2022-01-19. Review status: criteria provided, single submitter. Criteria: Ambry Variant Classification Scheme 2023. Collection method: clinical testing. Allele origin: germline.